The following is an entry in ClinVar:

NM_022367.4(SEMA4A):c.1681C>T (p.Arg561Cys)

Gene: SEMA4A (semaphorin 4A; plus strand). Cytogenetic location: 1q22.
Variant type: single nucleotide variant.
Coding change: c.1681C>T on transcript NM_022367.4 (MANE Select); coding-DNA position 1681, C replaced by T.
Protein change: p.Arg561Cys; replaces arginine 561 with cysteine.
Molecular consequence: missense variant.
Genome position (GRCh38, 1-based): chr1:156,175,644, C>T. VCF-style: chr1-156175644-C-T. GRCh37 (hg19) VCF-style: chr1-156145435-C-T.
Other names: c.1384C>T, p.Arg462Cys (NM_001370568.1); c.1174C>T, p.Arg392Cys (NM_001370569.1, NM_001370571.1); c.1681C>T, p.Arg561Cys (NM_001193300.2, NM_001193301.2, NM_001370567.1); c.1285C>T, p.Arg429Cys (NM_001193302.2); short protein forms R462C, R561C, R392C, R429C.
Identifiers: ClinVar variation 2046632 (VCV002046632.4), dbSNP rs1002874048, ClinGen allele CA31003439.

ClinVar aggregate classification (germline): Uncertain significance (1 of 4 stars; one submission).

Allele frequency attached by ClinVar (database versions not stated): gnomAD 0.00001.
gnomAD v4.1: 11 of 1,607,354 alleles (0.00068%); highest among the groups gnomAD compares: East Asian, 0.016%; no homozygotes.

Submission:

Labcorp Genetics (formerly Invitae), Labcorp
Classification: Uncertain significance. Last evaluated: 2022-06-22. Review status: criteria provided, single submitter. Criteria: Invitae Variant Classification Sherloc (09022015). Collection method: clinical testing. Allele origin: germline.
Comment: Algorithms developed to predict the effect of missense changes on protein structure and function are either unavailable or do not agree on the potential impact of this missense change (SIFT: "Deleterious"; PolyPhen-2: "Possibly Damaging"; Align-GVGD: "Class C0"). In summary, the available evidence is currently insufficient to determine the role of this variant in disease. Therefore, it has been classified as a Variant of Uncertain Significance. The frequency data for this variant in the population databases is considered unreliable, as metrics indicate poor data quality at this position in the gnomAD database. This variant has not been reported in the literature in individuals affected with SEMA4A-related conditions. This sequence change replaces arginine, which is basic and polar, with cysteine, which is neutral and slightly polar, at codon 561 of the SEMA4A protein (p.Arg561Cys).